The following is an entry in ClinVar:

NM_001018115.3(FANCD2):c.696-1G>A

Genes: FANCD2 (FA complementation group D2; plus strand), LOC107303338 (3p25 FANCD2 Alu-mediated recombination region; plus strand). Cytogenetic location: 3p25.3.
Variant type: single nucleotide variant.
Coding change: c.696-1G>A on transcript NM_001018115.3 (MANE Select); the canonical splice acceptor site of the intron before coding-DNA position 696, G replaced by A.
Molecular consequence: splice acceptor variant.
Genome position (GRCh38, 1-based): chr3:10,041,622, G>A. VCF-style: chr3-10041622-G-A. GRCh37 (hg19) VCF-style: chr3-10083306-G-A.
Other names: c.696-1G>A (NM_001319984.2, NM_001374253.1, NM_033084.6 and 1 more transcripts).
Identifiers: ClinVar variation 1379260 (VCV001379260.8), dbSNP rs954555240, ClinGen allele CA70026020.

ClinVar aggregate classification (germline): Pathogenic (1 of 4 stars; one submission).

Conditions:
Fanconi anemia (FA). Also called: Fanconi's anemia. Identifiers: Orphanet 84, MedGen C0015625, MeSH D005199, MONDO:0019391.

Allele frequency attached by ClinVar (database versions not stated): gnomAD exomes below 0.00001; gnomAD 0.00001.

Submission:

Labcorp Genetics (formerly Invitae), Labcorp
Classification: Pathogenic for Fanconi anemia. Last evaluated: 2024-07-02. Review status: criteria provided, single submitter. Criteria: Invitae Variant Classification Sherloc (09022015). Collection method: clinical testing. Allele origin: germline.
Comment: This sequence change affects an acceptor splice site in intron 9 of the FANCD2 gene. RNA analysis indicates that disruption of this splice site induces altered splicing and may result in an absent or disrupted protein product. This variant is present in population databases (no rsID available, gnomAD 0.0009%). Disruption of this splice site has been observed in individual(s) with Fanconi anemia (PMID: 17436244). In at least one individual the data is consistent with being in trans (on the opposite chromosome) from a pathogenic variant. ClinVar contains an entry for this variant (Variation ID: 1379260). Studies have shown that disruption of this splice site results in skipping of exon 10 and introduces a premature termination codon (PMID: 17436244). The resulting mRNA is expected to undergo nonsense-mediated decay. For these reasons, this variant has been classified as Pathogenic.

Literature cited by the submitters: PubMed 17436244.